The following is an entry in ClinVar:

ClinVar aggregate classification (germline): Uncertain significance (1 of 4 stars; one submission).

Submission:

GeneDx
Classification: Uncertain significance. Last evaluated: 2024-10-16. Review status: criteria provided, single submitter. Criteria: GeneDx Variant Classification Process June 2021. Collection method: clinical testing. Allele origin: germline. Affected: yes.
Comment: Not observed at significant frequency in large population cohorts (gnomAD); In silico analysis indicates that this missense variant does not alter protein structure/function; Has not been previously published as pathogenic or benign to our knowledge

NM_001111125.3(IQSEC2):c.4093A>C (p.Thr1365Pro)

Gene: IQSEC2 (IQ motif and Sec7 domain ArfGEF 2; minus strand). Cytogenetic location: Xp11.22.
Variant type: single nucleotide variant.
Coding change: c.4093A>C on transcript NM_001111125.3 (MANE Select); coding-DNA position 4093, A replaced by C.
Protein change: p.Thr1365Pro; replaces threonine 1365 with proline.
Molecular consequence: missense variant. On other transcripts: 3 prime UTR variant (1).
Genome position (GRCh38, 1-based): chrX:53,234,593, T>G on the plus strand (A>C on the coding strand, the complement: IQSEC2 is on the minus strand). VCF-style: chrX-53234593-T-G. GRCh37 (hg19) VCF-style: chrX-53263775-T-G.
Other names: c.*578A>C (NM_015075.2); short protein forms T1365P.
Identifiers: ClinVar variation 1700807 (VCV001700807.5), dbSNP rs2147001902, ClinGen allele CA413139549.